The following is an entry in ClinVar:

NM_003995.4(NPR2):c.2542C>T (p.Arg848Trp)

Gene: NPR2 (natriuretic peptide receptor 2; plus strand). Cytogenetic location: 9p13.3.
Variant type: single nucleotide variant.
Coding change: c.2542C>T on transcript NM_003995.4 (MANE Select); coding-DNA position 2542, C replaced by T.
Protein change: p.Arg848Trp; replaces arginine 848 with tryptophan.
Molecular consequence: missense variant.
Genome position (GRCh38, 1-based): chr9:35,807,045, C>T. VCF-style: chr9-35807045-C-T. GRCh37 (hg19) VCF-style: chr9-35807042-C-T.
Other names: c.2551C>T, p.Arg851Trp (NM_001378923.1); short protein forms R848W, R851W.
Identifiers: ClinVar variation 423845 (VCV000423845.3), dbSNP rs769386938, ClinGen allele CA5052002.
Genomic context (GRCh38, chr9:35,807,045, plus strand): 5'-TCTTGGAGTTTGGCTCATACGGCACCCTTGCTTCCTAGTTCAGTGGCAGAGCAGTTAAAA[C>T]GGGGAGAGACTGTACAGGCTGAGGCCTTTGACAGTGTTACCATCTACTTCAGTGACATTG-3'
Protein context (NP_003986.2, residues 838-858): LPHSVAEQLK[Arg848Trp]GETVQAEAFD

ClinVar aggregate classification (germline): Uncertain significance (1 of 4 stars; one submission).

Allele frequency attached by ClinVar (database versions not stated): ExAC 0.00002; gnomAD exomes 0.00002; gnomAD 0.00003; TOPMed 0.00003.
gnomAD v4.1: 24 of 1,613,868 alleles (0.0015%); highest among the groups gnomAD compares: East Asian, 0.0045%; no homozygotes.

Submission:

GeneDx
Classification: Uncertain significance. Last evaluated: 2019-06-07. Review status: criteria provided, single submitter. Criteria: GeneDx Variant Classification Process June 2021. Collection method: clinical testing. Allele origin: germline. Affected: yes.
Comment: In silico analysis, which includes protein predictors and evolutionary conservation, supports a deleterious effect; Has not been previously published as pathogenic or benign to our knowledge